The following is an entry in ClinVar:

ClinVar aggregate classification (germline): Likely pathogenic (1 of 4 stars; one submission).

Conditions:
DDX41-related hematologic malignancy predisposition syndrome. Also called: Myeloproliferative/lymphoproliferative neoplasms, familial (multiple types), susceptibility to; DDX41-Associated Familial Myelodysplastic Syndrome and Acute Myeloid Leukemia. Identifiers: Orphanet 488647, MedGen C4225174, MONDO:0014809, OMIM 616871.

Submission:

Juno Genomics, Hangzhou Juno Genomics, Inc
Classification: Likely pathogenic for DDX41-related hematologic malignancy predisposition syndrome. Review status: criteria provided, single submitter. Criteria: ACMG Guidelines, 2015. Collection method: clinical testing. Allele origin: germline.
Comment: Null variant in a gene where loss of function (LOF) is a known mechanism of disease.;Absent from controls (or at extremely low frequency if recessive) in Genome Aggregation Database.

NM_016222.4(DDX41):c.181G>T (p.Glu61Ter)

Gene: DDX41 (DEAD-box helicase 41; minus strand). Cytogenetic location: 5q35.3.
Variant type: single nucleotide variant.
Coding change: c.181G>T on transcript NM_016222.4 (MANE Select); coding-DNA position 181, G replaced by T.
Protein change: p.Glu61Ter; replaces glutamic acid 61 with a stop codon.
Molecular consequence: nonsense. On other transcripts: 5 prime UTR variant (2).
Genome position (GRCh38, 1-based): chr5:177,516,405, C>A on the plus strand (G>T on the coding strand, the complement: DDX41 is on the minus strand). VCF-style: chr5-177516405-C-A. GRCh37 (hg19) VCF-style: chr5-176943406-C-A.
Other names: c.-198G>T (NM_001321732.2, NM_001321830.2); short protein forms E61*.
Identifiers: ClinVar variation 5006876 (VCV005006876.2).